The following is an entry in ClinVar:

NM_020949.3(SLC7A14):c.172C>G (p.Leu58Val)

Genes: SLC7A14 (solute carrier family 7 member 14; minus strand), SLC7A14-AS1 (SLC7A14 antisense RNA 1; plus strand). Cytogenetic location: 3q26.2.
Variant type: single nucleotide variant.
Coding change: c.172C>G on transcript NM_020949.3 (MANE Select); coding-DNA position 172, C replaced by G.
Protein change: p.Leu58Val; replaces leucine 58 with valine.
Molecular consequence: missense variant.
Genome position (GRCh38, 1-based): chr3:170,526,765, G>C on the plus strand (C>G on the coding strand, the complement: SLC7A14 is on the minus strand). VCF-style: chr3-170526765-G-C. GRCh37 (hg19) VCF-style: chr3-170244554-G-C.
Other names: short protein forms L58V.
Identifiers: ClinVar variation 3675430 (VCV003675430.3).

ClinVar aggregate classification (germline): Uncertain significance. Review status: criteria provided, multiple submitters, no conflicts (2 of 4 stars). 2 submissions from 2 submitters: Uncertain significance (2). Last evaluated 2024-03-28.

gnomAD v4.1: 15 of 1,614,116 alleles (0.00093%); highest among the groups gnomAD compares: Non-Finnish European, 0.0012%; no homozygotes.

Submissions (2):

Labcorp Genetics (formerly Invitae), Labcorp
Classification: Uncertain significance. Last evaluated: 2024-03-28. Review status: criteria provided, single submitter. Criteria: Invitae Variant Classification Sherloc (09022015). Collection method: clinical testing. Allele origin: germline.
Comment: This sequence change replaces leucine, which is neutral and non-polar, with valine, which is neutral and non-polar, at codon 58 of the SLC7A14 protein (p.Leu58Val). This variant is present in population databases (rs202144746, gnomAD 0.0009%). This variant has not been reported in the literature in individuals affected with SLC7A14-related conditions. An algorithm developed to predict the effect of missense changes on protein structure and function (PolyPhen-2) suggests that this variant is likely to be disruptive. In summary, the available evidence is currently insufficient to determine the role of this variant in disease. Therefore, it has been classified as a Variant of Uncertain Significance.

Blueprint Genetics
Classification: Uncertain significance. Last evaluated: 2021-12-19. Review status: criteria provided, single submitter. Criteria: ACMG Guidelines, 2015. Collection method: clinical testing. Allele origin: germline.